The following is an entry in ClinVar:

NM_001256007.3(PNPLA8):c.422A>G (p.Asp141Gly)

Gene: PNPLA8 (patatin like domain 8, phospholipase A2; minus strand). Cytogenetic location: 7q31.1.
Variant type: single nucleotide variant.
Coding change: c.422A>G on transcript NM_001256007.3 (MANE Select); coding-DNA position 422, A replaced by G.
Protein change: p.Asp141Gly; replaces aspartic acid 141 with glycine.
Molecular consequence: missense variant.
Genome position (GRCh38, 1-based): chr7:108,515,070, T>C on the plus strand (A>G on the coding strand, the complement: PNPLA8 is on the minus strand). VCF-style: chr7-108515070-T-C. GRCh37 (hg19) VCF-style: chr7-108155514-T-C.
Other names: c.422A>G, p.Asp141Gly (NM_001256008.3, NM_001256009.3, NM_015723.5); c.122A>G, p.Asp41Gly (NM_001256010.3, NM_001256011.3); short protein forms D141G, D41G.
Identifiers: ClinVar variation 1930803 (VCV001930803.5), dbSNP rs144091617, ClinGen allele CA4439831.

ClinVar aggregate classification (germline): Uncertain significance (1 of 4 stars; one submission).

Allele frequency attached by ClinVar (database versions not stated): gnomAD exomes 0.00001; TOPMed 0.00001; ExAC 0.00002; ESP Exome Variant Server 0.00008.
gnomAD v4.1: 9 of 1,604,690 alleles (0.00056%); highest among the groups gnomAD compares: Non-Finnish European, 0.00068%; no homozygotes.

Submission:

Labcorp Genetics (formerly Invitae), Labcorp
Classification: Uncertain significance. Last evaluated: 2022-01-03. Review status: criteria provided, single submitter. Criteria: Invitae Variant Classification Sherloc (09022015). Collection method: clinical testing. Allele origin: germline.
Comment: In summary, the available evidence is currently insufficient to determine the role of this variant in disease. Therefore, it has been classified as a Variant of Uncertain Significance. Algorithms developed to predict the effect of sequence changes on RNA splicing suggest that this variant may create or strengthen a splice site. Algorithms developed to predict the effect of missense changes on protein structure and function (SIFT, PolyPhen-2, Align-GVGD) all suggest that this variant is likely to be tolerated. This variant has not been reported in the literature in individuals affected with PNPLA8-related conditions. This variant is present in population databases (rs144091617, gnomAD 0.003%). This sequence change replaces aspartic acid, which is acidic and polar, with glycine, which is neutral and non-polar, at codon 141 of the PNPLA8 protein (p.Asp141Gly).